The following is an entry in ClinVar:

NM_032608.7(MYO18B):c.6625G>A (p.Glu2209Lys)

Gene: MYO18B (myosin XVIIIB; plus strand). Cytogenetic location: 22q12.1.
Variant type: single nucleotide variant.
Coding change: c.6625G>A on transcript NM_032608.7 (MANE Select); coding-DNA position 6625, G replaced by A.
Protein change: p.Glu2209Lys; replaces glutamic acid 2209 with lysine.
Molecular consequence: missense variant.
Genome position (GRCh38, 1-based): chr22:26,026,599, G>A. VCF-style: chr22-26026599-G-A. GRCh37 (hg19) VCF-style: chr22-26422565-G-A.
Other names: c.6625G>A (NM_032608.5, NM_032608.6); c.6628G>A, p.Glu2210Lys (NM_001318245.2); short protein forms E2210K, E2209K.
Identifiers: ClinVar variation 1423790 (VCV001423790.8), dbSNP rs545281386, ClinGen allele CA10161577.

ClinVar aggregate classification (germline): Uncertain significance. Review status: criteria provided, multiple submitters, no conflicts (2 of 4 stars). 3 submissions from 3 submitters: Uncertain significance (3). Last evaluated 2025-11-06.

Conditions:
MYO18B-related disorder. Also called: MYO18B-related condition.
Inborn genetic diseases. Identifiers: MedGen C0950123, MeSH D030342.

Allele frequency attached by ClinVar (database versions not stated): gnomAD exomes below 0.00001 and 0.00002; gnomAD 0.00002 and 0.00003; TOPMed 0.00002; ExAC 0.00003; 1000 Genomes Project 0.00020; 1000 Genomes Project 30x 0.00031.
gnomAD v4.1: 9 of 1,613,782 alleles (0.00056%); highest among the groups gnomAD compares: Admixed American, 0.0033%; no homozygotes.

Submissions (3):

Ambry Genetics
Classification: Uncertain significance for Inborn genetic diseases. Last evaluated: 2025-11-06. Review status: criteria provided, single submitter. Criteria: Ambry Variant Classification Scheme 2023. Collection method: clinical testing. Allele origin: germline.

PreventionGenetics, part of Exact Sciences
Classification: Uncertain significance for MYO18B-related condition. Last evaluated: 2025-05-12. Review status: criteria provided, single submitter. Criteria: ACMG Guidelines, 2015. Collection method: clinical testing. Allele origin: germline.
Comment: The MYO18B c.6625G>A variant is predicted to result in the amino acid substitution p.Glu2209Lys. To our knowledge, this variant has not been reported in the literature. This variant is reported in 0.0057% of alleles in individuals of Latino descent in gnomAD. At this time, the clinical significance of this variant is uncertain due to the absence of conclusive functional and genetic evidence.

Labcorp Genetics (formerly Invitae), Labcorp
Classification: Uncertain significance. Last evaluated: 2022-02-05. Review status: criteria provided, single submitter. Criteria: Invitae Variant Classification Sherloc (09022015). Collection method: clinical testing. Allele origin: germline.
Comment: This sequence change replaces glutamic acid, which is acidic and polar, with lysine, which is basic and polar, at codon 2209 of the MYO18B protein (p.Glu2209Lys). This variant is present in population databases (rs545281386, gnomAD 0.006%). This variant has not been reported in the literature in individuals affected with MYO18B-related conditions. Algorithms developed to predict the effect of missense changes on protein structure and function output the following: SIFT: "Not Available"; PolyPhen-2: "Benign"; Align-GVGD: "Not Available". The lysine amino acid residue is found in multiple mammalian species, which suggests that this missense change does not adversely affect protein function. In summary, the available evidence is currently insufficient to determine the role of this variant in disease. Therefore, it has been classified as a Variant of Uncertain Significance.